The following is an entry in ClinVar:

ClinVar aggregate classification (germline): Uncertain significance (1 of 4 stars; one submission).

Allele frequency attached by ClinVar (database versions not stated): gnomAD exomes 0.00001.
gnomAD v4.1: 3 of 1,614,004 alleles (0.00019%); highest among the groups gnomAD compares: Non-Finnish European, 0.00025%; no homozygotes.

Submission:

GeneDx
Classification: Uncertain significance. Last evaluated: 2020-07-08. Review status: criteria provided, single submitter. Criteria: GeneDx Variant Classification Process June 2021. Collection method: clinical testing. Allele origin: germline. Affected: yes.
Comment: Not observed in large population cohorts (Lek et al., 2016); In silico analysis supports that this missense variant has a deleterious effect on protein structure/function; Has not been previously published as pathogenic or benign to our knowledge

NM_001080517.3(SETD5):c.884A>G (p.Asp295Gly)

Gene: SETD5 (SET domain containing 5; plus strand). Cytogenetic location: 3p25.3.
Variant type: single nucleotide variant.
Coding change: c.884A>G on transcript NM_001080517.3 (MANE Select); coding-DNA position 884, A replaced by G.
Protein change: p.Asp295Gly; replaces aspartic acid 295 with glycine.
Molecular consequence: missense variant.
Genome position (GRCh38, 1-based): chr3:9,441,666, A>G. VCF-style: chr3-9441666-A-G. GRCh37 (hg19) VCF-style: chr3-9483350-A-G.
Other names: c.590A>G, p.Asp197Gly (NM_001292043.2, NM_001349451.2); short protein forms D197G, D295G.
Identifiers: ClinVar variation 1313040 (VCV001313040.2), dbSNP rs2125187585, ClinGen allele CA351688517.